The following is an entry in ClinVar:

ClinVar aggregate classification (germline): Likely benign. Review status: criteria provided, multiple submitters, no conflicts (2 of 4 stars). 3 submissions from 3 submitters: Likely benign (3). Last evaluated 2025-08-20.

Allele frequency attached by ClinVar (database versions not stated): ExAC 0.00002; TOPMed 0.00002; gnomAD 0.00003; gnomAD exomes 0.00003.
gnomAD v4.1: 66 of 1,612,778 alleles (0.0041%); highest among the groups gnomAD compares: Non-Finnish European, 0.005%; no homozygotes.

Submissions (3):

Labcorp Genetics (formerly Invitae), Labcorp
Classification: Likely benign. Last evaluated: 2025-08-20. Review status: criteria provided, single submitter. Criteria: Invitae Variant Classification Sherloc (09022015). Collection method: clinical testing. Allele origin: germline.

Ambry Genetics
Classification: Likely benign. Last evaluated: 2022-03-16. Review status: criteria provided, single submitter. Criteria: Ambry Variant Classification Scheme 2023. Collection method: clinical testing. Allele origin: germline.

GeneDx
Classification: Likely benign. Last evaluated: 2020-06-23. Review status: criteria provided, single submitter. Criteria: GeneDx Variant Classification Process June 2021. Collection method: clinical testing. Allele origin: germline. Affected: yes.
Comment: This variant is associated with the following publications: (PMID: 29351780)

NM_002907.4(RECQL):c.1536A>T (p.Pro512=)

Gene: RECQL (RecQ like helicase; minus strand). Cytogenetic location: 12p12.1.
Variant type: single nucleotide variant.
Coding change: c.1536A>T on transcript NM_002907.4 (MANE Select); coding-DNA position 1536, A replaced by T.
Protein change: p.Pro512=; no amino-acid change (proline 512 retained).
Molecular consequence: synonymous variant.
Genome position (GRCh38, 1-based): chr12:21,471,559, T>A on the plus strand (A>T on the coding strand, the complement: RECQL is on the minus strand). VCF-style: chr12-21471559-T-A. GRCh37 (hg19) VCF-style: chr12-21624493-T-A.
Other names: c.1536A>T, p.Pro512= (NM_032941.3).
Identifiers: ClinVar variation 682016 (VCV000682016.13), dbSNP rs762453121, ClinGen allele CA6478725.